The following is an entry in ClinVar:

NM_001256715.2(DNAAF3):c.42del (p.Ser15fs)

Genes: DNAAF3 (dynein axonemal assembly factor 3; minus strand), DNAAF3-AS1 (DNAAF3 antisense RNA 1; plus strand). Cytogenetic location: 19q13.42.
Variant type: Deletion.
Coding change: c.42del on transcript NM_001256715.2 (MANE Select); coding-DNA position 42, one base deleted (G; older notation c.42delG).
Protein change: p.Ser15fs; shifts the reading frame from serine 15.
Molecular consequence: frameshift variant. On other transcripts: 5 prime UTR variant (1).
Genome position (GRCh38, 1-based): chr19:55,166,372, C deleted on the plus strand (G on the coding strand, the reverse complement: DNAAF3 is on the minus strand). VCF-style (leftmost placement, unchanged base first): chr19-55166371-AC-A. GRCh37 (hg19) VCF-style: chr19-55677739-AC-A.
Other names: c.183del, p.Ser62fs (NM_001256714.1, NM_178837.4); c.-197del (NM_001256716.2); short protein forms S15fs, S62fs.
Identifiers: ClinVar variation 2916392 (VCV002916392.3), dbSNP rs2515547984, ClinGen allele CA2739277011.

ClinVar aggregate classification (germline): Pathogenic (1 of 4 stars; one submission).

Conditions:
Primary ciliary dyskinesia. Also called: Ciliary dyskinesia. Identifiers: Orphanet 244, MedGen C0008780, MONDO:0016575, HP:0012265.

Submission:

Labcorp Genetics (formerly Invitae), Labcorp
Classification: Pathogenic for Primary ciliary dyskinesia. Last evaluated: 2023-12-27. Review status: criteria provided, single submitter. Criteria: Invitae Variant Classification Sherloc (09022015). Collection method: clinical testing. Allele origin: germline.
Comment: This sequence change creates a premature translational stop signal (p.Ser62Profs*54) in the DNAAF3 gene. It is expected to result in an absent or disrupted protein product. Loss-of-function variants in DNAAF3 are known to be pathogenic (PMID: 22387996). This variant is not present in population databases (gnomAD no frequency). This variant has not been reported in the literature in individuals affected with DNAAF3-related conditions. For these reasons, this variant has been classified as Pathogenic.

Literature cited by the submitters: PubMed 22387996.